The following is an entry in ClinVar:

ClinVar aggregate classification (germline): Uncertain significance (1 of 4 stars; one submission).

Conditions:
Congenital multicore myopathy with external ophthalmoplegia (CMYO1B). Also called: MULTIMINICORE DISEASE WITH EXTERNAL OPHTHALMOPLEGIA; MULTICORE MYOPATHY; Minicore myopathy with external ophthalmoplegia; Congenital myopathy 1B, autosomal recessive; Minicore myopathy. Identifiers: Orphanet 598, Orphanet 98905, MedGen C1850674, MONDO:0009712, OMIM 255320, HP:0003789.

Submission:

MVZ Medizinische Genetik Mainz
Classification: Uncertain significance for Congenital multicore myopathy with external ophthalmoplegia. Last evaluated: 2025-11-17. Review status: criteria provided, single submitter. Criteria: UK Practice Guidelines For Variant Classification V4 01 2020. Collection method: clinical testing. Allele origin: germline. Inheritance: Autosomal recessive inheritance. Affected: yes. Observed: 1 variant allele.
Comment: ACMG Criteria: PVS1_MOD,PM2_SUP

NM_000540.3(RYR1):c.10625_10626+15del

Gene: RYR1 (ryanodine receptor 1; plus strand). Cytogenetic location: 19q13.2.
Variant type: Deletion.
Coding change: c.10625_10626+15del on transcript NM_000540.3 (MANE Select); coding-DNA position 10625 through 15 bases into the intron after coding-DNA position 10626, 17 bases deleted (TGGTGCCTGCCCAGCCC).
Molecular consequence: splice donor variant.
Genome position (GRCh38, 1-based): chr19:38,525,501-38,525,517, TGGTGCCTGCCCAGCCC deleted; deleting any 17 consecutive bases within chr19:38,525,497-38,525,517 gives the same sequence; the c. name uses the placement nearest the transcript's 3' end. VCF-style (leftmost placement, unchanged base first): chr19-38525496-CGCCCTGGTGCCTGCCCA-C. GRCh37 (hg19) VCF-style: chr19-39016136-CGCCCTGGTGCCTGCCCA-C.
Other names: c.10610_10611+15del (NM_001042723.2).
Identifiers: ClinVar variation 5038064 (VCV005038064.1).